The following is an entry in ClinVar:

NM_002878.4(RAD51D):c.181T>C (p.Phe61Leu)

Genes: RAD51D (RAD51 paralog D; minus strand), RAD51L3-RFFL (RAD51L3-RFFL readthrough; minus strand). Cytogenetic location: 17q12.
Variant type: single nucleotide variant.
Coding change: c.181T>C on transcript NM_002878.4 (MANE Select); coding-DNA position 181, T replaced by C.
Protein change: p.Phe61Leu; replaces phenylalanine 61 with leucine.
Molecular consequence: missense variant. On other transcripts: intron variant (2).
Genome position (GRCh38, 1-based): chr17:35,118,583, A>G on the plus strand (T>C on the coding strand, the complement: RAD51D is on the minus strand). VCF-style: chr17-35118583-A-G. GRCh37 (hg19) VCF-style: chr17-33445602-A-G.
Other names: c.144+528T>C (NM_133629.3, NM_001142571.2); short protein forms F61L.
Identifiers: ClinVar variation 2162327 (VCV002162327.5), dbSNP rs2142474507, ClinGen allele CA399091478.

ClinVar aggregate classification (germline): Uncertain significance. Review status: criteria provided, multiple submitters, no conflicts (2 of 4 stars). 2 submissions from 2 submitters: Uncertain significance (2). Last evaluated 2026-07-01.

Conditions:
Hereditary cancer-predisposing syndrome. Also called: Tumor predisposition; Hereditary Cancer Syndrome; Hereditary neoplastic syndrome; Neoplastic Syndromes, Hereditary. Identifiers: Orphanet 140162, MedGen C0027672, MeSH D009386, MONDO:0015356.
Breast-ovarian cancer, familial, susceptibility to, 4. Identifiers: Orphanet 145, MedGen C3280345, MONDO:0013669, OMIM 614291.

Submissions (2):

Ambry Genetics
Classification: Uncertain significance for Hereditary cancer-predisposing syndrome. Last evaluated: 2026-07-01. Review status: criteria provided, single submitter. Criteria: Ambry Variant Classification Scheme 2023. Collection method: clinical testing. Allele origin: germline.
Comment: The p.F61L variant (also known as c.181T>C), located in coding exon 3 of the RAD51D gene, results from a T to C substitution at nucleotide position 181. The phenylalanine at codon 61 is replaced by leucine, an amino acid with highly similar properties. This amino acid position is conserved. In addition, this alteration is predicted to be tolerated by in silico analysis. Based on the available evidence, the clinical significance of this variant remains unclear.

Labcorp Genetics (formerly Invitae), Labcorp
Classification: Uncertain significance for Breast-ovarian cancer, familial, susceptibility to, 4. Last evaluated: 2024-08-07. Review status: criteria provided, single submitter. Criteria: Invitae Variant Classification Sherloc (09022015). Collection method: clinical testing. Allele origin: germline.
Comment: This sequence change replaces phenylalanine, which is neutral and non-polar, with leucine, which is neutral and non-polar, at codon 61 of the RAD51D protein (p.Phe61Leu). This variant is not present in population databases (gnomAD no frequency). This variant has not been reported in the literature in individuals affected with RAD51D-related conditions. ClinVar contains an entry for this variant (Variation ID: 2162327). Advanced modeling of protein sequence and biophysical properties (such as structural, functional, and spatial information, amino acid conservation, physicochemical variation, residue mobility, and thermodynamic stability) performed at Invitae indicates that this missense variant is not expected to disrupt RAD51D protein function with a negative predictive value of 80%. In summary, the available evidence is currently insufficient to determine the role of this variant in disease. Therefore, it has been classified as a Variant of Uncertain Significance.